The following is an entry in ClinVar:

ClinVar aggregate classification (germline): Uncertain significance. Review status: criteria provided, multiple submitters, no conflicts (2 of 4 stars). 3 submissions from 3 submitters: Uncertain significance (3). Last evaluated 2023-12-21.

Conditions:
GALNT12-related disorder. Also called: GALNT12-related condition.

Submissions (3):

Ambry Genetics
Classification: Uncertain significance. Last evaluated: 2023-12-21. Review status: criteria provided, single submitter. Criteria: Ambry Variant Classification Scheme 2023. Collection method: clinical testing. Allele origin: germline.
Comment: The c.1459-15_1459-1dup15 intronic variant, results from a duplication of 15 nucleotides from nucleotide position -15 to -1 before exon 9 of the GALNT12 gene. The duplicated nucleotide region is well conserved in available vertebrate species. In silico splice site analysis predicts that this alteration will result in the creation or strengthening of a novel splice acceptor site. The evidence for this gene-disease relationship is limited; therefore, the clinical significance of this alteration is unclear.

PreventionGenetics, part of Exact Sciences
Classification: Uncertain significance for GALNT12-related condition. Last evaluated: 2023-06-29. Review status: criteria provided, single submitter. Criteria: ACMG Guidelines, 2015. Collection method: clinical testing. Allele origin: germline.
Comment: The GALNT12 c.1459-15_1459-1dup15 variant is predicted to result in an intronic duplication. To our knowledge, this variant has not been reported in the literature. This variant is reported in 0.00088% of alleles in individuals of European (Non-Finnish) descent in gnomAD. In ClinVar, this variant is interpreted as uncertain. At this time, the clinical significance of this variant is uncertain due to the absence of conclusive functional and genetic evidence.

Labcorp Genetics (formerly Invitae), Labcorp
Classification: Uncertain significance. Last evaluated: 2022-09-09. Review status: criteria provided, single submitter. Criteria: Invitae Variant Classification Sherloc (09022015). Collection method: clinical testing. Allele origin: germline.
Comment: ClinVar contains an entry for this variant (Variation ID: 1498461). This variant has not been reported in the literature in individuals affected with GALNT12-related conditions. This variant is present in population databases (rs760180024, gnomAD 0.0009%). This sequence change falls in intron 8 of the GALNT12 gene. It does not directly change the encoded amino acid sequence of the GALNT12 protein. Algorithms developed to predict the effect of sequence changes on RNA splicing suggest that this variant may create or strengthen a splice site. In summary, the available evidence is currently insufficient to determine the role of this variant in disease. Therefore, it has been classified as a Variant of Uncertain Significance.

NM_024642.5(GALNT12):c.1459-15_1459-1dup

Gene: GALNT12 (polypeptide N-acetylgalactosaminyltransferase 12; plus strand). Cytogenetic location: 9q22.33.
Variant type: Duplication.
Coding change: c.1459-15_1459-1dup on transcript NM_024642.5 (MANE Select); 15 bases into the intron before coding-DNA position 1459 through the canonical splice acceptor site of the intron before coding-DNA position 1459, 15 bases duplicated (CTGCCCCATTTTTAG).
Molecular consequence: splice acceptor variant.
Genome position (GRCh38, 1-based): chr9:98,845,962-98,845,976, CTGCCCCATTTTTAG duplicated; duplicating any 15 consecutive bases within chr9:98,845,961-98,845,976 gives the same sequence; the c. name uses the placement nearest the transcript's 3' end. VCF-style (leftmost placement, unchanged base first): chr9-98845960-G-GGCTGCCCCATTTTTA. GRCh37 (hg19) VCF-style: chr9-101608242-G-GGCTGCCCCATTTTTA.
Other names: c.1459-15_1459-1dup15 (NM_024642.4).
Identifiers: ClinVar variation 1498461 (VCV001498461.11), dbSNP rs760180024, ClinGen allele CA5154289.